The following is an entry in ClinVar:

ClinVar aggregate classification (germline): Uncertain significance (0 of 4 stars; one submission).

Conditions:
COL1A2-related disorder. Also called: COL1A2-Related Disorders; COL1A2-related condition.

Submission:

PreventionGenetics, part of Exact Sciences
Classification: Uncertain significance for COL1A2-related condition. Last evaluated: 2024-09-17. Review status: no assertion criteria provided. Collection method: clinical testing. Allele origin: germline.
Comment: The COL1A2 c.1581C>A variant is predicted to result in the amino acid substitution p.Asn527Lys. To our knowledge, this variant has not been reported in the literature or in a large population database, indicating this variant is rare. At this time, the clinical significance of this variant is uncertain due to the absence of conclusive functional and genetic evidence.

NM_000089.4(COL1A2):c.1581C>A (p.Asn527Lys)

Gene: COL1A2 (collagen type I alpha 2 chain; plus strand). Cytogenetic location: 7q21.3.
Variant type: single nucleotide variant.
Coding change: c.1581C>A on transcript NM_000089.4 (MANE Select); coding-DNA position 1581, C replaced by A.
Protein change: p.Asn527Lys; replaces asparagine 527 with lysine.
Molecular consequence: missense variant.
Genome position (GRCh38, 1-based): chr7:94,413,713, C>A. VCF-style: chr7-94413713-C-A. GRCh37 (hg19) VCF-style: chr7-94043025-C-A.
Other names: short protein forms N527K.
Identifiers: ClinVar variation 3352763 (VCV003352763.1).
Genomic context (GRCh38, chr7:94,413,713, plus strand): 5'-GCAGCTAACCATCAGCCTTTCTGTTAAATATTTTTAGGGTGCTCCAGGTCCTGATGGAAA[C>A]AATGGTGCTCAGGGACCTCCTGGACCACAGGTGAGTATTTCTCCCACTCTTGTGCTCTTC-3'
Protein context (NP_000080.2, residues 517-537): GARGAPGPDG[Asn527Lys]NGAQGPPGPQ